The following is an entry in ClinVar:

NM_001127496.3(SPRY4):c.328C>T (p.Arg110Trp)

Gene: SPRY4 (sprouty RTK signaling antagonist 4; minus strand). Cytogenetic location: 5q31.3.
Variant type: single nucleotide variant.
Coding change: c.328C>T on transcript NM_001127496.3 (MANE Select); coding-DNA position 328, C replaced by T.
Protein change: p.Arg110Trp; replaces arginine 110 with tryptophan.
Molecular consequence: missense variant.
Genome position (GRCh38, 1-based): chr5:142,314,781, G>A on the plus strand (C>T on the coding strand, the complement: SPRY4 is on the minus strand). VCF-style: chr5-142314781-G-A. GRCh37 (hg19) VCF-style: chr5-141694346-G-A.
Other names: c.328C>T, p.Arg110Trp (NM_001293289.3, NM_001293290.3); c.397C>T, p.Arg133Trp (NM_030964.5); short protein forms R110W, R133W.
Identifiers: ClinVar variation 3800980 (VCV003800980.2).

ClinVar aggregate classification (germline): Uncertain significance. Review status: criteria provided, multiple submitters, no conflicts (2 of 4 stars). 2 submissions from 2 submitters: Uncertain significance (2). Last evaluated 2025-05-05.

Submissions (2):

Women's Health and Genetics/Laboratory Corporation of America, LabCorp
Classification: Uncertain significance. Last evaluated: 2025-05-05. Review status: criteria provided, single submitter. Criteria: LabCorp Variant Classification Summary - May 2015. Collection method: clinical testing. Allele origin: germline.
Comment: Variant summary: SPRY4 c.397C>T (p.Arg133Trp) results in a non-conservative amino acid change in the encoded protein sequence. Algorithms developed to predict the effect of missense changes on protein structure and function are either unavailable or do not agree on the potential impact of this missense change. The variant allele was found at a frequency of 5.3e-05 in 245374 control chromosomes. This frequency is not significantly higher than estimated for a pathogenic variant in SPRY4 causing Hypogonadotropic Hypogonadism 17 With Or Without Anosmia, allowing no conclusion about variant significance. To our knowledge, no occurrence of c.397C>T in individuals affected with Hypogonadotropic Hypogonadism 17 With Or Without Anosmia and no experimental evidence demonstrating its impact on protein function have been reported. ClinVar contains an entry for this variant (Variation ID: 3800980). Based on the evidence outlined above, the variant was classified as uncertain significance.

Ambry Genetics
Classification: Uncertain significance. Last evaluated: 2025-02-18. Review status: criteria provided, single submitter. Criteria: Ambry Variant Classification Scheme 2023. Collection method: clinical testing. Allele origin: germline.